The following is an entry in ClinVar:

ClinVar aggregate classification (germline): Uncertain significance (1 of 4 stars; one submission).

gnomAD v4.1: 15 of 1,612,946 alleles (0.00093%); highest among the groups gnomAD compares: Non-Finnish European, 0.0012%; no homozygotes.

Submission:

Labcorp Genetics (formerly Invitae), Labcorp
Classification: Uncertain significance. Last evaluated: 2024-07-19. Review status: criteria provided, single submitter. Criteria: Invitae Variant Classification Sherloc (09022015). Collection method: clinical testing. Allele origin: germline.
Comment: This sequence change replaces glutamic acid, which is acidic and polar, with glycine, which is neutral and non-polar, at codon 541 of the SON protein (p.Glu541Gly). This variant is not present in population databases (gnomAD no frequency). This variant has not been reported in the literature in individuals affected with SON-related conditions. An algorithm developed to predict the effect of missense changes on protein structure and function (PolyPhen-2) suggests that this variant is likely to be disruptive. In summary, the available evidence is currently insufficient to determine the role of this variant in disease. Therefore, it has been classified as a Variant of Uncertain Significance.

NM_138927.4(SON):c.1622A>G (p.Glu541Gly)

Gene: SON (SON DNA and RNA binding protein; plus strand). Cytogenetic location: 21q22.11.
Variant type: single nucleotide variant.
Coding change: c.1622A>G on transcript NM_138927.4 (MANE Select); coding-DNA position 1622, A replaced by G.
Protein change: p.Glu541Gly; replaces glutamic acid 541 with glycine.
Molecular consequence: missense variant. On other transcripts: non-coding transcript variant (1), intron variant (1).
Genome position (GRCh38, 1-based): chr21:33,550,853, A>G. VCF-style: chr21-33550853-A-G. GRCh37 (hg19) VCF-style: chr21-34923159-A-G.
Other names: c.1622A>G, p.Glu541Gly (NM_001291411.2, NM_032195.3); c.244+4474A>G (NM_001291412.3); short protein forms E541G.
Identifiers: ClinVar variation 3618722 (VCV003618722.2).